The following is an entry in ClinVar:

NM_001267550.2(TTN):c.37711G>A (p.Val12571Met)

Gene: TTN (titin; minus strand). Cytogenetic location: 2q31.2.
Variant type: single nucleotide variant.
Coding change: c.37711G>A on transcript NM_001267550.2 (MANE Select); coding-DNA position 37711, G replaced by A.
Protein change: p.Val12571Met; replaces valine 12571 with methionine.
Molecular consequence: missense variant. On other transcripts: intron variant (5).
Genome position (GRCh38, 1-based): chr2:178,658,272, C>T on the plus strand (G>A on the coding strand, the complement: TTN is on the minus strand). VCF-style: chr2-178658272-C-T. GRCh37 (hg19) VCF-style: chr2-179522999-C-T.
Other names: c.13283-15955G>A (NM_003319.4); c.13859-15955G>A (NM_133437.4); c.13658-15955G>A (NM_133432.3); c.31741+733G>A (NM_133378.4); c.34522+733G>A (NM_001256850.1); short protein forms V12571M.
Identifiers: ClinVar variation 661525 (VCV000661525.8), dbSNP rs1577039412, ClinGen allele CA349482972.

ClinVar aggregate classification (germline): Uncertain significance. Review status: criteria provided, multiple submitters, no conflicts (2 of 4 stars). 2 submissions from 2 submitters: Uncertain significance (2). Last evaluated 2021-11-01.

Conditions:
Autosomal recessive limb-girdle muscular dystrophy type 2J (LGMDR10). Also called: Limb-girdle muscular dystrophy, type 2J; MUSCULAR DYSTROPHY, LIMB-GIRDLE, AUTOSOMAL RECESSIVE 10. Identifiers: Orphanet 140922, MedGen C1837342, MONDO:0012127, OMIM 608807.
Dilated cardiomyopathy 1G (CMD1G). Identifiers: Orphanet 154, MedGen C1858763, MONDO:0011400, OMIM 604145.
Tibial muscular dystrophy (TMD). Also called: Udd Distal Myopathy – Tibial Muscular Dystrophy; Tibial muscular dystrophy, tardive; UDD MYOPATHY. Identifiers: Orphanet 609, MedGen C1838244, MONDO:0010870, OMIM 600334.
Myopathy, myofibrillar, 9, with early respiratory failure (MFM9). Also called: Hereditary myopathy with early respiratory failure; EDSTROM MYOPATHY; MYOPATHY, PROXIMAL, WITH EARLY RESPIRATORY MUSCLE INVOLVEMENT; Myopathy, distal, with early respiratory failure, autosomal dominant. Identifiers: Orphanet 178464, Orphanet 34521, MedGen C1863599, MONDO:0011362, OMIM 603689.
Hypertrophic cardiomyopathy 9. Also called: Familial hypertrophic cardiomyopathy 9. Identifiers: MedGen C1861065, MONDO:0013412, OMIM 613765.
Early-onset myopathy with fatal cardiomyopathy (CMYO5). Also called: Salih Myopathy; CONGENITAL MYOPATHY 5 WITH CARDIOMYOPATHY. Identifiers: Orphanet 289377, MedGen C2673677, MONDO:0012714, OMIM 611705. Disease mechanism: loss of function.

Submissions (2):

Fulgent Genetics
Classification: Uncertain significance for Tibial muscular dystrophy; Myopathy, myofibrillar, 9, with early respiratory failure; Dilated cardiomyopathy 1G; Autosomal recessive limb-girdle muscular dystrophy type 2J; Early-onset myopathy with fatal cardiomyopathy; Hypertrophic cardiomyopathy 9. Last evaluated: 2021-11-01. Review status: criteria provided, single submitter. Criteria: ACMG Guidelines, 2015. Collection method: clinical testing. Allele origin: unknown.

Labcorp Genetics (formerly Invitae), Labcorp
Classification: Uncertain significance for Dilated cardiomyopathy 1G; Autosomal recessive limb-girdle muscular dystrophy type 2J. Last evaluated: 2020-11-30. Review status: criteria provided, single submitter. Criteria: Invitae Variant Classification Sherloc (09022015). Collection method: clinical testing. Allele origin: germline.
Comment: Nucleotide substitutions within the consensus splice site are a relatively common cause of aberrant splicing (PMID: 17576681, 9536098). Algorithms developed to predict the effect of sequence changes on RNA splicing suggest that this variant may disrupt the consensus splice site, but this prediction has not been confirmed by published transcriptional studies. This variant is located in the I band of TTN (PMID: 25589632). Variants in this region may be relevant for neuromuscular disorders, but have not been definitively shown to cause cardiomyopathy (PMID: 23975875). This variant has not been reported in the literature in individuals with TTN-related disease. The frequency data for this variant in the population databases is considered unreliable, as metrics indicate insufficient coverage at this position in the ExAC database. This sequence change replaces valine with methionine at codon 12571 of the TTN protein (p.Val12571Met) and there is a small physicochemical difference between valine and methionine. This variant also falls at the last nucleotide of exon 185 of the TTN coding sequence, which is part of the consensus splice site for this exon. In summary, the available evidence is currently insufficient to determine the role of this variant in disease. Therefore, it has been classified as a Variant of Uncertain Significance.

Literature cited by the submitters: PubMed 17576681 (cited by Labcorp Genetics (formerly Invitae), Labcorp); PubMed 9536098 (cited by Labcorp Genetics (formerly Invitae), Labcorp); PubMed 25589632 (cited by Labcorp Genetics (formerly Invitae), Labcorp); PubMed 23975875 (cited by Labcorp Genetics (formerly Invitae), Labcorp).